The following is an entry in ClinVar:

NM_006009.4(TUBA1A):c.1076C>T (p.Pro359Leu)

Gene: TUBA1A (tubulin alpha 1a; minus strand). Cytogenetic location: 12q13.12.
Variant type: single nucleotide variant.
Coding change: c.1076C>T on transcript NM_006009.4 (MANE Select); coding-DNA position 1076, C replaced by T.
Protein change: p.Pro359Leu; replaces proline 359 with leucine.
Molecular consequence: missense variant.
Genome position (GRCh38, 1-based): chr12:49,185,290, G>A on the plus strand (C>T on the coding strand, the complement: TUBA1A is on the minus strand). VCF-style: chr12-49185290-G-A. GRCh37 (hg19) VCF-style: chr12-49579073-G-A.
Other names: c.1076C>T, p.Pro359Leu (NM_001270399.2); c.971C>T, p.Pro324Leu (NM_001270400.2); short protein forms P359L, P324L.
Identifiers: ClinVar variation 426640 (VCV000426640.3), dbSNP rs1085307724, ClinGen allele CA384636262.
Genomic context (GRCh38, chr12:49,185,290, plus strand): 5'-CTCAGCATGCACACAGCTCTCTGTACCTTGGCCAGGTCTCCACCAGGCACCACAGTGGGA[G>A]GCTGGTAGTTGATGCCAACCTTGAAGCCAGTGGGGCACCAATCCACAAACTGGATGGTAC-3'
Protein context (NP_006000.2, residues 349-369): TGFKVGINYQ[Pro359Leu]PTVVPGGDLA

ClinVar aggregate classification (germline): Pathogenic/Likely pathogenic. Review status: criteria provided, multiple submitters, no conflicts (2 of 4 stars). 2 submissions from 2 submitters: Pathogenic (1); Likely pathogenic (1). Last evaluated 2019-11-06.

Conditions:
Tubulinopathy. Also called: Tubulinopathies. Identifiers: MedGen CN850169, MONDO:0100153.

Submissions (2):

GeneDx
Classification: Pathogenic. Last evaluated: 2019-11-06. Review status: criteria provided, single submitter. Criteria: GeneDx Variant Classification Process June 2021. Collection method: clinical testing. Allele origin: germline. Affected: yes.
Comment: Not observed in large population cohorts (Lek et al., 2016); The majority of missense variants in this gene are considered pathogenic (Stenson et al., 2014); In silico analysis, which includes protein predictors and evolutionary conservation, supports a deleterious effect; Variant identified in an affected individual obtained from an available public database, however, additional phenotypic information was not included (Hebebrand et al., 2019); This variant is associated with the following publications: (PMID: 30744660)

Institute of Human Genetics, FAU Erlangen, Friedrich-Alexander-Universität Erlangen-Nürnberg
Classification: Likely pathogenic for Tubulinopathies. Last evaluated: 2018-07-01. Review status: criteria provided, single submitter. Criteria: ACMG Guidelines, 2015. Collection method: literature only. Allele origin: germline. Affected: yes. Observed: 1 variant allele.
Comment: The c.1076C>T, p.(Pro359Leu) variant has been reported as a variant of germline/unknown origin.

Literature cited by the submitters: PubMed 30744660 (cited by Institute of Human Genetics, FAU Erlangen, Friedrich-Alexander-Universität Erlangen-Nürnberg); DOI 10.1101/427948 (cited by Institute of Human Genetics, FAU Erlangen, Friedrich-Alexander-Universität Erlangen-Nürnberg).